The following is an entry in ClinVar:

ClinVar aggregate classification (germline): Uncertain significance (1 of 4 stars; one submission).

Conditions:
Congenital contractural arachnodactyly (CCA). Also called: Beals-Hecht syndrome; BEALS SYNDROME; Arthrogryposis, distal, type 9. Identifiers: Orphanet 115, MedGen C0220668, MONDO:0007363, OMIM 121050.

gnomAD v4.1: 1 of 1,613,938 alleles (0.000062%); highest among the groups gnomAD compares: Non-Finnish European, 0.000085%; no homozygotes.

Submission:

Labcorp Genetics (formerly Invitae), Labcorp
Classification: Uncertain significance for Congenital contractural arachnodactyly. Last evaluated: 2024-02-20. Review status: criteria provided, single submitter. Criteria: Invitae Variant Classification Sherloc (09022015). Collection method: clinical testing. Allele origin: germline.
Comment: This sequence change replaces valine, which is neutral and non-polar, with isoleucine, which is neutral and non-polar, at codon 2172 of the FBN2 protein (p.Val2172Ile). This variant is present in population databases (rs768300338, gnomAD 0.0009%). This variant has not been reported in the literature in individuals affected with FBN2-related conditions. An algorithm developed to predict the effect of missense changes on protein structure and function (PolyPhen-2) suggests that this variant is likely to be tolerated. In summary, the available evidence is currently insufficient to determine the role of this variant in disease. Therefore, it has been classified as a Variant of Uncertain Significance.

NM_001999.4(FBN2):c.6514G>A (p.Val2172Ile)

Gene: FBN2 (fibrillin 2; minus strand). Cytogenetic location: 5q23.3.
Variant type: single nucleotide variant.
Coding change: c.6514G>A on transcript NM_001999.4 (MANE Select); coding-DNA position 6514, G replaced by A.
Protein change: p.Val2172Ile; replaces valine 2172 with isoleucine.
Molecular consequence: missense variant.
Genome position (GRCh38, 1-based): chr5:128,289,250, C>T on the plus strand (G>A on the coding strand, the complement: FBN2 is on the minus strand). VCF-style: chr5-128289250-C-T. GRCh37 (hg19) VCF-style: chr5-127624942-C-T.
Other names: short protein forms V2172I.
Identifiers: ClinVar variation 3700695 (VCV003700695.2).